The following is an entry in ClinVar:

NC_012920.1(MT-CO3):m.9759C>T

Gene: MT-CO3 (mitochondrially encoded cytochrome c oxidase III; plus strand).
Variant type: single nucleotide variant.
Genome position: chrM-9759-C-T.
Identifiers: ClinVar variation 693222 (VCV000693222.1), dbSNP rs1603222483, ClinGen allele CA414803649.
Genomic context (GRCh38, chrMT:9,759, plus strand): 5'-ATTACAATTTTACTGGGTCTCTATTTTACCCTCCTACAAGCCTCAGAGTACTTCGAGTCT[C>T]CCTTCACCATTTCCGACGGCATCTACGGCTCAACATTTTTTGTAGCCACAGGCTTCCACG-3'

ClinVar aggregate classification (germline): Likely benign (1 of 4 stars; one submission).

Conditions:
Leigh syndrome (NULS). Also called: Leigh's necrotizing encephalopathy; Leigh's disease; Leigh Syndrome (mtDNA deletion); Leigh Disease; Subacute necrotizing encephalopathy; Necrotizing encephalopathy infantile subacute of Leigh. Identifiers: Orphanet 506, MedGen C2931891, MONDO:0009723, OMIM 256000.

Submission:

Wong Mito Lab, Molecular and Human Genetics, Baylor College of Medicine
Classification: Likely benign for Leigh syndrome. Last evaluated: 2019-10-17. Review status: criteria provided, single submitter. Criteria: Modified ACMG Guidelines (Unpublished). Collection method: clinical testing. Allele origin: germline.
Comment: The NC_012920.1:m.9759C>T (YP_003024032.1:p.Pro185Ser) variant in MTCO3 gene is interpretated to be a Likely Benign variant based on the modified ACMG guidelines (unpublished). This variant meets the following evidence codes: BS1, BP6